The following is an entry in ClinVar:

ClinVar aggregate classification (germline): Likely pathogenic (1 of 4 stars; one submission).

Submission:

GeneDx
Classification: Likely pathogenic. Last evaluated: 2018-05-01. Review status: criteria provided, single submitter. Criteria: GeneDx Variant Classification (06012015). Collection method: clinical testing. Allele origin: germline. Affected: yes.
Comment: A c.782_787delCAGAGG variant that is likely pathogenic has been identified in the CLN3 gene. The c.782_787delCAGAGG variant has not been published as a pathogenic variant, nor has it been reported as a benign variant to our knowledge. The c.782_787delCAGAGG variant is not observed in large population cohorts (Lek et al., 2016). The c.782_787delCAGAGG variant causes a frameshift starting with codon Serine 261 and changes this amino acid to a premature Stop codon, denoted p.Ser261Ter. The c.782_787delCAGAGG variant is predicted to cause loss of normal protein function either through protein truncation or nonsense-mediated mRNA decay. Therefore, this variant is likely pathogenic; however, the possibility that it is benign cannot be excluded.

NM_014319.5(LEMD3):c.782_787del (p.Ser261_Glu263delinsTer)

Gene: LEMD3 (LEM domain containing 3; plus strand). Cytogenetic location: 12q14.3.
Variant type: Deletion.
Coding change: c.782_787del on transcript NM_014319.5 (MANE Select); coding-DNA positions 782 to 787, 6 bases deleted (CAGAGG; older notation c.782_787delCAGAGG).
Protein change: p.Ser261_Glu263delinsTer.
Molecular consequence: nonsense.
Genome position (GRCh38, 1-based): chr12:65,170,378-65,170,383, CAGAGG deleted. VCF-style (leftmost placement, unchanged base first): chr12-65170377-TCAGAGG-T. GRCh37 (hg19) VCF-style: chr12-65564157-TCAGAGG-T.
Other names: c.782_787del, p.Ser261_Glu263delinsTer (NM_001167614.2).
Identifiers: ClinVar variation 523926 (VCV000523926.2), dbSNP rs1555191350, ClinGen allele CA658797931.
Genomic context (GRCh38, chr12:65,170,377, plus strand): 5'-AGCCGGACCGTGAATGGCAGCCGGCTTGTCCCCTACAGCTGCCGGGAAAACTATTCGGAC[TCAGAGG>T]AAGAGGACGACGACGACGTGGCCTCCAGCAGACAGGTATTAAAGGACGACTCCCTTTCCC-3'